The following is an entry in ClinVar:

NM_004850.5(ROCK2):c.51G>T (p.Ala17=)

Genes: ROCK2 (Rho associated coiled-coil containing protein kinase 2; minus strand), LOC129933119 (ATAC-STARR-seq lymphoblastoid silent region 11172; plus strand). Cytogenetic location: 2p25.1.
Variant type: single nucleotide variant.
Coding change: c.51G>T on transcript NM_004850.5 (MANE Select); coding-DNA position 51, G replaced by T.
Protein change: p.Ala17=; no amino-acid change (alanine 17 retained).
Molecular consequence: synonymous variant. On other transcripts: intron variant (1).
Genome position (GRCh38, 1-based): chr2:11,344,086, C>A on the plus strand (G>T on the coding strand, the complement: ROCK2 is on the minus strand). VCF-style: chr2-11344086-C-A. GRCh37 (hg19) VCF-style: chr2-11484212-C-A.
Other names: c.-118+1188G>T (NM_001321643.2).
Identifiers: ClinVar variation 3053510 (VCV003053510.2), dbSNP rs368832806, ClinGen allele CA1530710.

ClinVar aggregate classification (germline): Likely benign (0 of 4 stars; one submission).

Conditions:
ROCK2-related disorder. Also called: ROCK2-related condition.

Allele frequency attached by ClinVar (database versions not stated): gnomAD exomes 0.00011; ESP Exome Variant Server 0.00061; ExAC 0.00065; gnomAD 0.00152; TOPMed 0.00170; 1000 Genomes Project 0.00180; 1000 Genomes Project 30x 0.00203.
gnomAD v4.1: 393 of 1,540,906 alleles (0.026%); highest among the groups gnomAD compares: African/African-American, 0.5%; 1 homozygote.

Submission:

PreventionGenetics, part of Exact Sciences
Classification: Likely benign for ROCK2-related condition. Last evaluated: 2019-11-27. Review status: no assertion criteria provided. Collection method: clinical testing. Allele origin: germline.
Comment: This variant is classified as likely benign based on ACMG/AMP sequence variant interpretation guidelines (Richards et al. 2015 PMID: 25741868, with internal and published modifications).